The following is an entry in ClinVar:

ClinVar aggregate classification (germline): Uncertain significance. Review status: criteria provided, multiple submitters, no conflicts (2 of 4 stars). 2 submissions from 2 submitters: Uncertain significance (2). Last evaluated 2025-01-04.

Allele frequency attached by ClinVar (database versions not stated): gnomAD 0.00001; gnomAD exomes 0.00001; TOPMed 0.00002.
gnomAD v4.1: 15 of 1,570,422 alleles (0.00096%); highest among the groups gnomAD compares: South Asian, 0.0046%; no homozygotes.

Submissions (2):

Ambry Genetics
Classification: Uncertain significance. Last evaluated: 2025-01-04. Review status: criteria provided, single submitter. Criteria: Ambry Variant Classification Scheme 2023. Collection method: clinical testing. Allele origin: germline.

Labcorp Genetics (formerly Invitae), Labcorp
Classification: Uncertain significance. Last evaluated: 2024-10-24. Review status: criteria provided, single submitter. Criteria: Invitae Variant Classification Sherloc (09022015). Collection method: clinical testing. Allele origin: germline.
Comment: This sequence change replaces asparagine, which is neutral and polar, with serine, which is neutral and polar, at codon 364 of the KLC2 protein (p.Asn364Ser). The frequency data for this variant in the population databases is considered unreliable, as metrics indicate poor data quality at this position in the gnomAD database. This variant has not been reported in the literature in individuals affected with KLC2-related conditions. ClinVar contains an entry for this variant (Variation ID: 1376268). An algorithm developed to predict the effect of missense changes on protein structure and function (PolyPhen-2) suggests that this variant is likely to be tolerated. In summary, the available evidence is currently insufficient to determine the role of this variant in disease. Therefore, it has been classified as a Variant of Uncertain Significance.

NM_001318734.2(KLC2):c.1091A>G (p.Asn364Ser)

Genes: KLC2 (kinesin light chain 2; plus strand), KLC2-AS1 (KLC2 antisense RNA 1; minus strand). Cytogenetic location: 11q13.2.
Variant type: single nucleotide variant.
Coding change: c.1091A>G on transcript NM_001318734.2 (MANE Select); coding-DNA position 1091, A replaced by G.
Protein change: p.Asn364Ser; replaces asparagine 364 with serine.
Molecular consequence: missense variant.
Genome position (GRCh38, 1-based): chr11:66,264,194, A>G. VCF-style: chr11-66264194-A-G. GRCh37 (hg19) VCF-style: chr11-66031665-A-G.
Other names: c.860A>G, p.Asn287Ser (NM_001134774.2); c.1091A>G, p.Asn364Ser (NM_001134775.2, NM_001134776.2, NM_022822.3); c.1091A>G (NM_001134775.1); short protein forms N287S, N364S.
Identifiers: ClinVar variation 1376268 (VCV001376268.9), dbSNP rs978156465, ClinGen allele CA224030039.